The following is an entry in ClinVar:

ClinVar aggregate classification (germline): Likely benign. Review status: criteria provided, multiple submitters, no conflicts (2 of 4 stars). 2 submissions from 2 submitters: Likely benign (2). Last evaluated 2026-02-01.

Allele frequency attached by ClinVar (database versions not stated): TOPMed 0.00003; gnomAD 0.00007; gnomAD exomes 0.00009; ExAC 0.00017; 1000 Genomes Project 30x 0.00031; 1000 Genomes Project 0.00040.
gnomAD v4.1: 140 of 1,614,090 alleles (0.0087%); highest among the groups gnomAD compares: South Asian, 0.079%; no homozygotes.

Submissions (2):

CeGaT Center for Human Genetics Tuebingen
Classification: Likely benign. Last evaluated: 2026-02-01. Review status: criteria provided, single submitter. Criteria: CeGaT Center For Human Genetics Tuebingen Variant Classification Criteria Version 2. Collection method: clinical testing. Allele origin: germline. Affected: yes. Observed: 1 variant allele.
Comment: ANK3: BP4, BP7

Labcorp Genetics (formerly Invitae), Labcorp
Classification: Likely benign. Last evaluated: 2025-10-07. Review status: criteria provided, single submitter. Criteria: Invitae Variant Classification Sherloc (09022015). Collection method: clinical testing. Allele origin: germline.

NM_020987.5(ANK3):c.5583G>A (p.Thr1861=)

Gene: ANK3 (ankyrin 3; minus strand). Cytogenetic location: 10q21.2.
Variant type: single nucleotide variant.
Coding change: c.5583G>A on transcript NM_020987.5 (MANE Select); coding-DNA position 5583, G replaced by A.
Protein change: p.Thr1861=; no amino-acid change (threonine 1861 retained).
Molecular consequence: synonymous variant. On other transcripts: intron variant (4).
Genome position (GRCh38, 1-based): chr10:60,075,298, C>T on the plus strand (G>A on the coding strand, the complement: ANK3 is on the minus strand). VCF-style: chr10-60075298-C-T. GRCh37 (hg19) VCF-style: chr10-61835056-C-T.
Other names: c.4387+5239G>A (NM_001204403.2); c.4408+5239G>A (NM_001204404.2); c.4405+5239G>A (NM_001320874.2); c.1807+5239G>A (NM_001149.4).
Identifiers: ClinVar variation 2069315 (VCV002069315.8), dbSNP rs548657898, ClinGen allele CA5511992.